The following is an entry in ClinVar:

NM_001122681.2(SH3BP2):c.*4563A>C

Gene: SH3BP2 (SH3 domain binding protein 2; plus strand). Cytogenetic location: 4p16.3.
Variant type: single nucleotide variant.
Coding change: c.*4563A>C on transcript NM_001122681.2 (MANE Select); 4563 bases downstream of the stop codon, A replaced by C.
Molecular consequence: 3 prime UTR variant.
Genome position (GRCh38, 1-based): chr4:2,838,397, A>C. VCF-style: chr4-2838397-A-C. GRCh37 (hg19) VCF-style: chr4-2840124-A-C.
Other names: c.*4563A>C (LRG_1334t1, LRG_1334t2, NM_001145855.2 and 2 more transcripts).
Identifiers: ClinVar variation 348674 (VCV000348674.5), dbSNP rs75884292, ClinGen allele CA10620938.

ClinVar aggregate classification (germline): Benign (1 of 4 stars; one submission).

Conditions:
Fibrous dysplasia of jaw (CRBM). Also called: Cherubism. Identifiers: Orphanet 184, MedGen C0008029, MONDO:0007315, OMIM 118400.

Allele frequency attached by ClinVar (database versions not stated): gnomAD 0.03046 and 0.03266; 1000 Genomes Project 0.03375; TOPMed 0.03467; 1000 Genomes Project 30x 0.03592.

Submission:

Illumina Laboratory Services, Illumina
Classification: Benign for Fibrous dysplasia of jaw. Last evaluated: 2018-01-13. Review status: criteria provided, single submitter. Criteria: ICSL Variant Classification Criteria 13 December 2019. Collection method: clinical testing. Allele origin: germline.
Comment: This variant was observed in the ICSL laboratory as part of a predisposition screen in an ostensibly healthy population. It had not been previously curated by ICSL or reported in the Human Gene Mutation Database (HGMD: prior to June 1st, 2018), and was therefore a candidate for classification through an automated scoring system. Utilizing variant allele frequency, disease prevalence and penetrance estimates, and inheritance mode, an automated score was calculated to assess if this variant is too frequent to cause the disease. Based on the score and internal cut-off values, a variant classified as benign is not then subjected to further curation. The score for this variant resulted in a classification of benign for this disease.